The following is an entry in ClinVar:

NM_000059.4(BRCA2):c.4132A>T (p.Thr1378Ser)

Gene: BRCA2 (BRCA2 DNA repair associated; plus strand). Cytogenetic location: 13q13.1.
Variant type: single nucleotide variant.
Coding change: c.4132A>T on transcript NM_000059.4 (MANE Select); coding-DNA position 4132, A replaced by T.
Protein change: p.Thr1378Ser; replaces threonine 1378 with serine.
Molecular consequence: missense variant.
Genome position (GRCh38, 1-based): chr13:32,338,487, A>T. VCF-style: chr13-32338487-A-T. GRCh37 (hg19) VCF-style: chr13-32912624-A-T.
Other names: short protein forms T1378S.
Identifiers: ClinVar variation 1463785 (VCV001463785.12), dbSNP rs1204269313, ClinGen allele CA387779379.
Genomic context (GRCh38, chr13:32,338,487, plus strand): 5'-TTTACTGATCAGCACAACATATGTCTTAAATTATCTGGCCAGTTTATGAAGGAGGGAAAC[A>T]CTCAGATTAAAGAAGATTTGTCAGATTTAACTTTTTTGGAAGTTGCGAAAGCTCAAGAAG-3'
Protein context (NP_000050.3, residues 1368-1388): LSGQFMKEGN[Thr1378Ser]QIKEDLSDLT

ClinVar aggregate classification (germline): Conflicting classifications of pathogenicity. Review status: criteria provided, conflicting classifications (1 of 4 stars). 3 submissions from 3 submitters: Uncertain significance (2); Likely benign (1). Last evaluated 2025-06-24.

Conditions:
Hereditary breast ovarian cancer syndrome. Also called: Hereditary breast and ovarian cancer; Breast and ovarian cancer; BRCA1- and BRCA2-Associated Hereditary Breast and Ovarian Cancer; Hereditary breast and/or ovarian cancer syndrome; Hereditary breast and ovarian cancer syndrome; Hereditary breast and ovarian cancer syndrome (HBOC). Identifiers: Orphanet 145, MedGen C0677776, MeSH D061325, MONDO:0003582. Disease mechanism: loss of function.
Hereditary cancer-predisposing syndrome. Also called: Tumor predisposition; Hereditary neoplastic syndrome; Hereditary Cancer Syndrome; Neoplastic Syndromes, Hereditary. Identifiers: Orphanet 140162, MedGen C0027672, MeSH D009386, MONDO:0015356.

Submissions (3):

Ambry Genetics
Classification: Uncertain significance for Hereditary cancer-predisposing syndrome. Last evaluated: 2025-06-24. Review status: criteria provided, single submitter. Criteria: Ambry Variant Classification Scheme 2023. Collection method: clinical testing. Allele origin: germline.
Comment: The p.T1378S variant (also known as c.4132A>T), located in coding exon 10 of the BRCA2 gene, results from an A to T substitution at nucleotide position 4132. The threonine at codon 1378 is replaced by serine, an amino acid with similar properties. This amino acid position is not well conserved in available vertebrate species. In addition, this alteration is predicted to be tolerated by in silico analysis. Since supporting evidence is limited at this time, the clinical significance of this alteration remains unclear.

University of Washington Department of Laboratory Medicine, University of Washington
Classification: Likely benign for Hereditary cancer-predisposing syndrome. Last evaluated: 2023-03-23. Review status: criteria provided, single submitter. Criteria: Dines et al. (Genet Med. 2020). Collection method: curation. Allele origin: germline.
Comment: Missense variant in a coldspot region where missense variants are very unlikely to be pathogenic (PMID:31911673).

BRCA2 exon 11 coldspot. Reclassification based on statistical prior probability.

Labcorp Genetics (formerly Invitae), Labcorp
Classification: Uncertain significance for Hereditary breast ovarian cancer syndrome. Last evaluated: 2021-01-20. Review status: criteria provided, single submitter. Criteria: Invitae Variant Classification Sherloc (09022015). Collection method: clinical testing. Allele origin: germline.
Comment: In summary, the available evidence is currently insufficient to determine the role of this variant in disease. Therefore, it has been classified as a Variant of Uncertain Significance. Advanced modeling of protein sequence and biophysical properties (such as structural, functional, and spatial information, amino acid conservation, physicochemical variation, residue mobility, and thermodynamic stability) performed at Invitae indicates that this missense variant is not expected to disrupt BRCA2 protein function. This variant has not been reported in the literature in individuals with BRCA2-related conditions. This variant is not present in population databases (ExAC no frequency). This sequence change replaces threonine with serine at codon 1378 of the BRCA2 protein (p.Thr1378Ser). The threonine residue is weakly conserved and there is a small physicochemical difference between threonine and serine.